The following is an entry in ClinVar:

NM_144997.7(FLCN):c.1245C>A (p.Cys415Ter)

Gene: FLCN (folliculin; minus strand). Cytogenetic location: 17p11.2.
Variant type: single nucleotide variant.
Coding change: c.1245C>A on transcript NM_144997.7 (MANE Select); coding-DNA position 1245, C replaced by A.
Protein change: p.Cys415Ter; replaces cysteine 415 with a stop codon.
Molecular consequence: nonsense.
Genome position (GRCh38, 1-based): chr17:17,216,435, G>T on the plus strand (C>A on the coding strand, the complement: FLCN is on the minus strand). VCF-style: chr17-17216435-G-T. GRCh37 (hg19) VCF-style: chr17-17119749-G-T.
Other names: c.1245C>A (LRG_325t1); c.1299C>A, p.Cys433Ter (NM_001353229.2); c.1245C>A, p.Cys415Ter (NM_001353230.2, NM_001353231.2); short protein forms C415*, C433*.
Identifiers: ClinVar variation 545980 (VCV000545980.7), dbSNP rs748148728, ClinGen allele CA398531766.

ClinVar aggregate classification (germline): Pathogenic/Likely pathogenic. Review status: criteria provided, multiple submitters, no conflicts (2 of 4 stars). 2 submissions from 2 submitters: Pathogenic (1); Likely pathogenic (1). Last evaluated 2019-12-20.

Conditions:
Hereditary cancer-predisposing syndrome. Also called: Neoplastic Syndromes, Hereditary; Hereditary Cancer Syndrome; Tumor predisposition; Hereditary neoplastic syndrome. Identifiers: Orphanet 140162, MedGen C0027672, MeSH D009386, MONDO:0015356.

gnomAD v4.1: 1 of 1,613,848 alleles (0.000062%); highest among the groups gnomAD compares: Non-Finnish European, 0.000085%; no homozygotes.

Submissions (2):

GeneDx
Classification: Likely pathogenic. Last evaluated: 2019-12-20. Review status: criteria provided, single submitter. Criteria: GeneDx Variant Classification Process June 2021. Collection method: clinical testing. Allele origin: germline. Affected: yes.
Comment: Nonsense variant predicted to result in protein truncation or nonsense mediated decay in a gene for which loss-of-function is a known mechanism of disease; Not observed in large population cohorts (Lek 2016); Has not been previously published as pathogenic or benign to our knowledge

Ambry Genetics
Classification: Pathogenic for Hereditary cancer-predisposing syndrome. Last evaluated: 2019-11-07. Review status: criteria provided, single submitter. Criteria: Ambry Variant Classification Scheme 2023. Collection method: clinical testing. Allele origin: germline.
Comment: The p.C415* pathogenic mutation (also known as c.1245C>A), located in coding exon 8 of the FLCN gene, results from a C to A substitution at nucleotide position 1245. This changes the amino acid from a cysteine to a stop codon within coding exon 8. This alteration is expected to result in loss of function by premature protein truncation or nonsense-mediated mRNA decay. As such, this alteration is interpreted as a disease-causing mutation.